The following is an entry in ClinVar:

NM_000343.4(SLC5A1):c.188G>A (p.Arg63Gln)

Gene: SLC5A1 (solute carrier family 5 member 1; plus strand). Cytogenetic location: 22q12.3.
Variant type: single nucleotide variant.
Coding change: c.188G>A on transcript NM_000343.4 (MANE Select); coding-DNA position 188, G replaced by A.
Protein change: p.Arg63Gln; replaces arginine 63 with glutamine.
Molecular consequence: missense variant.
Genome position (GRCh38, 1-based): chr22:32,049,995, G>A. VCF-style: chr22-32049995-G-A. GRCh37 (hg19) VCF-style: chr22-32445982-G-A.
Other names: c.188G>A (NM_000343.3); short protein forms R63Q.
Identifiers: ClinVar variation 1426486 (VCV001426486.8), dbSNP rs200352654, ClinGen allele CA10197875.

ClinVar aggregate classification (germline): Uncertain significance. Review status: criteria provided, multiple submitters, no conflicts (2 of 4 stars). 3 submissions from 3 submitters: Uncertain significance (3). Last evaluated 2025-06-09.

Conditions:
Inborn genetic diseases. Identifiers: MedGen C0950123, MeSH D030342.
Congenital glucose-galactose malabsorption (GGM). Also called: MONOSACCHARIDE MALABSORPTION; DIARRHEA 16. Identifiers: Orphanet 35710, MedGen C0268186, MONDO:0011731, OMIM 606824.

Allele frequency attached by ClinVar (database versions not stated): gnomAD 0.00002 and 0.00003; gnomAD exomes 0.00002; TOPMed 0.00002; ExAC 0.00004.
gnomAD v4.1: 39 of 1,614,004 alleles (0.0024%); highest among the groups gnomAD compares: Middle Eastern, 0.033%; no homozygotes.

Submissions (3):

Ambry Genetics
Classification: Uncertain significance for Inborn genetic diseases. Last evaluated: 2025-06-09. Review status: criteria provided, single submitter. Criteria: Ambry Variant Classification Scheme 2023. Collection method: clinical testing. Allele origin: germline.

Fulgent Genetics
Classification: Uncertain significance for Congenital glucose-galactose malabsorption. Last evaluated: 2024-03-04. Review status: criteria provided, single submitter. Criteria: ACMG Guidelines, 2015. Collection method: clinical testing. Allele origin: germline.

Labcorp Genetics (formerly Invitae), Labcorp
Classification: Uncertain significance for Congenital glucose-galactose malabsorption. Last evaluated: 2021-09-01. Review status: criteria provided, single submitter. Criteria: Invitae Variant Classification Sherloc (09022015). Collection method: clinical testing. Allele origin: germline.
Comment: This sequence change replaces arginine with glutamine at codon 63 of the SLC5A1 protein (p.Arg63Gln). The arginine residue is highly conserved and there is a small physicochemical difference between arginine and glutamine. This variant is present in population databases (rs200352654, ExAC 0.01%). This variant has not been reported in the literature in individuals affected with SLC5A1-related conditions. Algorithms developed to predict the effect of missense changes on protein structure and function are either unavailable or do not agree on the potential impact of this missense change (SIFT: "Deleterious"; PolyPhen-2: "Benign"; Align-GVGD: "Class C35"). In summary, the available evidence is currently insufficient to determine the role of this variant in disease. Therefore, it has been classified as a Variant of Uncertain Significance.